The following is an entry in ClinVar:

NM_006361.6(HOXB13):c.458G>T (p.Gly153Val)

Gene: HOXB13 (homeobox B13; minus strand). Cytogenetic location: 17q21.32.
Variant type: single nucleotide variant.
Coding change: c.458G>T on transcript NM_006361.6 (MANE Select); coding-DNA position 458, G replaced by T.
Protein change: p.Gly153Val; replaces glycine 153 with valine.
Molecular consequence: missense variant.
Genome position (GRCh38, 1-based): chr17:48,728,136, C>A on the plus strand (G>T on the coding strand, the complement: HOXB13 is on the minus strand). VCF-style: chr17-48728136-C-A. GRCh37 (hg19) VCF-style: chr17-46805498-C-A.
Other names: c.458G>T (NM_006361.5); short protein forms G153V.
Identifiers: ClinVar variation 1052487 (VCV001052487.7), dbSNP rs766929278, ClinGen allele CA8633984.
Genomic context (GRCh38, chr17:48,728,136, plus strand): 5'-GCCCAAGACTGGTAACTGTCCACAGGCAACAGGGAGTCATGTCGCGGTTCTCCAGGAGCA[C>A]CCAGAGTCTGCACCACAGACACGTCCAGGTAACTGGCCATAGGCTGGTAGGTTCCCGGAT-3'
Protein context (NP_006352.2, residues 143-163): YLDVSVVQTL[Gly153Val]APGEPRHDSL

ClinVar aggregate classification (germline): Uncertain significance. Review status: criteria provided, multiple submitters, no conflicts (2 of 4 stars). 2 submissions from 2 submitters: Uncertain significance (2). Last evaluated 2026-04-01.

Conditions:
Hereditary cancer-predisposing syndrome. Also called: Hereditary neoplastic syndrome; Neoplastic Syndromes, Hereditary; Tumor predisposition; Hereditary Cancer Syndrome. Identifiers: Orphanet 140162, MedGen C0027672, MeSH D009386, MONDO:0015356.

Allele frequency attached by ClinVar (database versions not stated): ExAC 0.00001; gnomAD 0.00001; gnomAD exomes below 0.00001; TOPMed 0.00001.
gnomAD v4.1: 5 of 1,614,090 alleles (0.00031%); highest among the groups gnomAD compares: Non-Finnish European, 0.00042%; no homozygotes.

Submissions (2):

Ambry Genetics
Classification: Uncertain significance for Hereditary cancer-predisposing syndrome. Last evaluated: 2026-04-01. Review status: criteria provided, single submitter. Criteria: Ambry Variant Classification Scheme 2023. Collection method: clinical testing. Allele origin: germline.
Comment: The p.G153V variant (also known as c.458G>T), located in coding exon 1 of the HOXB13 gene, results from a G to T substitution at nucleotide position 458. The glycine at codon 153 is replaced by valine, an amino acid with dissimilar properties. This amino acid position is well conserved in available vertebrate species. In addition, this alteration is predicted to be deleterious by in silico analysis. Based on the available evidence, the clinical significance of this variant remains unclear.

Labcorp Genetics (formerly Invitae), Labcorp
Classification: Uncertain significance. Last evaluated: 2022-09-08. Review status: criteria provided, single submitter. Criteria: Invitae Variant Classification Sherloc (09022015). Collection method: clinical testing. Allele origin: germline.
Comment: This sequence change replaces glycine, which is neutral and non-polar, with valine, which is neutral and non-polar, at codon 153 of the HOXB13 protein (p.Gly153Val). This variant is not present in population databases (gnomAD no frequency). This variant has not been reported in the literature in individuals affected with HOXB13-related conditions. ClinVar contains an entry for this variant (Variation ID: 1052487). Advanced modeling of protein sequence and biophysical properties (such as structural, functional, and spatial information, amino acid conservation, physicochemical variation, residue mobility, and thermodynamic stability) performed at Invitae indicates that this missense variant is not expected to disrupt HOXB13 protein function. In summary, the available evidence is currently insufficient to determine the role of this variant in disease. Therefore, it has been classified as a Variant of Uncertain Significance.